The following is an entry in ClinVar:

ClinVar aggregate classification (germline): Uncertain significance (1 of 4 stars; one submission).

Conditions:
SLCO1B3-related disorder. Also called: SLCO1B3-related condition.

gnomAD v4.1: 2 of 1,606,448 alleles (0.00012%); highest among the groups gnomAD compares: Non-Finnish European, 0.000085%; no homozygotes.

Submission:

PreventionGenetics, part of Exact Sciences
Classification: Uncertain significance for SLCO1B3-related condition. Last evaluated: 2026-05-09. Review status: criteria provided, single submitter. Criteria: ACMG Guidelines, 2015. Collection method: clinical testing. Allele origin: germline.
Comment: The SLCO1B3 c.636G>C variant is predicted to result in the amino acid substitution p.Leu212Phe. To our knowledge, this variant has not been reported in the literature or in a large population database (gnomAD), indicating this variant is rare. At this time, the clinical significance of this variant is uncertain due to the absence of conclusive functional and genetic evidence.

NM_019844.4(SLCO1B3):c.636G>C (p.Leu212Phe)

Genes: SLCO1B3 (solute carrier organic anion transporter family member 1B3; plus strand), SLCO1B3-SLCO1B7 (SLCO1B3-SLCO1B7 readthrough; plus strand). Cytogenetic location: 12p12.2.
Variant type: single nucleotide variant.
Coding change: c.636G>C on transcript NM_019844.4 (MANE Select); coding-DNA position 636, G replaced by C.
Protein change: p.Leu212Phe; replaces leucine 212 with phenylalanine.
Molecular consequence: missense variant.
Genome position (GRCh38, 1-based): chr12:20,862,763, G>C. VCF-style: chr12-20862763-G-C. GRCh37 (hg19) VCF-style: chr12-21015697-G-C.
Other names: c.636G>C, p.Leu212Phe (NM_001371097.1); c.552G>C, p.Leu184Phe (NM_001349920.2); short protein forms L184F, L212F.
Identifiers: ClinVar variation 4996349 (VCV004996349.1).